The following is an entry in ClinVar:

ClinVar aggregate classification (germline): Uncertain significance (1 of 4 stars; one submission).

Conditions:
Inborn genetic diseases. Identifiers: MedGen C0950123, MeSH D030342.

gnomAD v4.1: 2 of 1,613,676 alleles (0.00012%); highest among the groups gnomAD compares: Non-Finnish European, 0.00017%; no homozygotes.

Submission:

Ambry Genetics
Classification: Uncertain significance for Inborn genetic diseases. Last evaluated: 2025-06-20. Review status: criteria provided, single submitter. Criteria: Ambry Variant Classification Scheme 2023. Collection method: clinical testing. Allele origin: germline.
Comment: The p.E578Q variant (also known as c.1732G>C), located in coding exon 14 of the DNMT3A gene, results from a G to C substitution at nucleotide position 1732. The glutamic acid at codon 578 is replaced by glutamine, an amino acid with highly similar properties. This amino acid position is conserved. In addition, the in silico prediction for this alteration is inconclusive. Based on the available evidence, the clinical significance of this variant remains unclear.

NM_022552.5(DNMT3A):c.1732G>C (p.Glu578Gln)

Gene: DNMT3A (DNA methyltransferase 3 alpha; minus strand). Cytogenetic location: 2p23.3.
Variant type: single nucleotide variant.
Coding change: c.1732G>C on transcript NM_022552.5 (MANE Select); coding-DNA position 1732, G replaced by C.
Protein change: p.Glu578Gln; replaces glutamic acid 578 with glutamine.
Molecular consequence: missense variant. On other transcripts: non-coding transcript variant (1).
Genome position (GRCh38, 1-based): chr2:25,244,274, C>G on the plus strand (G>C on the coding strand, the complement: DNMT3A is on the minus strand). VCF-style: chr2-25244274-C-G. GRCh37 (hg19) VCF-style: chr2-25467143-C-G.
Other names: c.1276G>C, p.Glu426Gln (NM_001320893.1); c.1063G>C, p.Glu355Gln (NM_001375819.1); c.1165G>C, p.Glu389Gln (NM_153759.3); c.1732G>C, p.Glu578Gln (NM_175629.2); short protein forms E355Q, E426Q, E578Q, E389Q.
Identifiers: ClinVar variation 4243578 (VCV004243578.1).